The following is an entry in ClinVar:

NM_000535.7(PMS2):c.2330C>T (p.Thr777Ile)

Gene: PMS2 (PMS1 homolog 2, mismatch repair system component; minus strand). Cytogenetic location: 7p22.1.
Variant type: single nucleotide variant.
Coding change: c.2330C>T on transcript NM_000535.7 (MANE Select); coding-DNA position 2330, C replaced by T.
Protein change: p.Thr777Ile; replaces threonine 777 with isoleucine.
Molecular consequence: missense variant. On other transcripts: non-coding transcript variant (1).
Genome position (GRCh38, 1-based): chr7:5,977,703, G>A on the plus strand (C>T on the coding strand, the complement: PMS2 is on the minus strand). VCF-style: chr7-5977703-G-A. GRCh37 (hg19) VCF-style: chr7-6017334-G-A.
Other names: c.2330C>T (NM_000535.5); c.1925C>T, p.Thr642Ile (NM_001322003.2, NM_001322004.2, NM_001322005.2); c.2174C>T, p.Thr725Ile (NM_001322006.2); c.2012C>T, p.Thr671Ile (NM_001322007.2, NM_001322008.2); c.1958C>T, p.Thr653Ile (NM_001322009.2); c.1769C>T, p.Thr590Ile (NM_001322010.2); c.1397C>T, p.Thr466Ile (NM_001322011.2, NM_001322012.2); c.1757C>T, p.Thr586Ile (NM_001322013.2); and 2 more; short protein forms T466I, T586I, T590I, T642I, T653I, T671I, T674I, T725I.
Identifiers: ClinVar variation 1015609 (VCV001015609.11), dbSNP rs777728316, ClinGen allele CA366735959.

ClinVar aggregate classification (germline): Uncertain significance. Review status: criteria provided, multiple submitters, no conflicts (2 of 4 stars). 3 submissions from 3 submitters: Uncertain significance (3). Last evaluated 2025-06-27.

Conditions:
Hereditary nonpolyposis colorectal neoplasms. Identifiers: MedGen C0009405, MeSH D003123.
Hereditary cancer-predisposing syndrome. Also called: Hereditary Cancer Syndrome; Tumor predisposition; Neoplastic Syndromes, Hereditary; Hereditary neoplastic syndrome. Identifiers: Orphanet 140162, MedGen C0027672, MeSH D009386, MONDO:0015356.

Submissions (3):

Ambry Genetics
Classification: Uncertain significance for Hereditary cancer-predisposing syndrome. Last evaluated: 2025-06-27. Review status: criteria provided, single submitter. Criteria: Ambry Variant Classification Scheme 2023. Collection method: clinical testing. Allele origin: germline.
Comment: The p.T777I variant (also known as c.2330C>T), located in coding exon 14 of the PMS2 gene, results from a C to T substitution at nucleotide position 2330. The threonine at codon 777 is replaced by isoleucine, an amino acid with similar properties. This amino acid position is conserved. In addition, the in silico prediction for this alteration is inconclusive. Based on the available evidence, the clinical significance of this variant remains unclear.

Center for Genomic Medicine, Rigshospitalet, Copenhagen University Hospital
Classification: Uncertain significance. Last evaluated: 2025-03-04. Review status: criteria provided, single submitter. Criteria: ACMG Guidelines, 2015. Collection method: clinical testing. Allele origin: germline.

Labcorp Genetics (formerly Invitae), Labcorp
Classification: Uncertain significance for Hereditary nonpolyposis colorectal neoplasms. Last evaluated: 2024-03-04. Review status: criteria provided, single submitter. Criteria: Invitae Variant Classification Sherloc (09022015). Collection method: clinical testing. Allele origin: germline.
Comment: This sequence change replaces threonine, which is neutral and polar, with isoleucine, which is neutral and non-polar, at codon 777 of the PMS2 protein (p.Thr777Ile). The frequency data for this variant in the population databases (gnomAD) is considered unreliable due to the presence of homologous sequence, such as pseudogenes or paralogs, in the genome. This variant has not been reported in the literature in individuals affected with PMS2-related conditions. ClinVar contains an entry for this variant (Variation ID: 1015609). Advanced modeling of protein sequence and biophysical properties (such as structural, functional, and spatial information, amino acid conservation, physicochemical variation, residue mobility, and thermodynamic stability) has been performed at Invitae for this missense variant, however the output from this modeling did not meet the statistical confidence thresholds required to predict the impact of this variant on PMS2 protein function. In summary, the available evidence is currently insufficient to determine the role of this variant in disease. Therefore, it has been classified as a Variant of Uncertain Significance.